The following is an entry in ClinVar:

NM_000520.6(HEXA):c.19del (p.Trp7fs)

Gene: HEXA (hexosaminidase subunit alpha; minus strand). Cytogenetic location: 15q23.
Variant type: Deletion.
Coding change: c.19del on transcript NM_000520.6 (MANE Select); coding-DNA position 19, one base deleted (T; older notation c.19delT).
Protein change: p.Trp7fs; shifts the reading frame from tryptophan 7.
Molecular consequence: frameshift variant. On other transcripts: non-coding transcript variant (1).
Genome position (GRCh38, 1-based): chr15:72,375,954, A deleted on the plus strand (T on the coding strand, the reverse complement: HEXA is on the minus strand); the first of 3 consecutive A bases (chr15:72,375,954-72,375,956); deleting any one gives the same sequence. VCF-style (leftmost placement, unchanged base first): chr15-72375953-CA-C. GRCh37 (hg19) VCF-style: chr15-72668294-CA-C.
Other names: c.19del, p.Trp7fs (NM_001318825.2); short protein forms W7fs.
Identifiers: ClinVar variation 1980491 (VCV001980491.5), dbSNP rs2542582814, ClinGen allele CA2580089950.

ClinVar aggregate classification (germline): Pathogenic. Review status: criteria provided, multiple submitters, no conflicts (2 of 4 stars). 2 submissions from 2 submitters: Pathogenic (2). Last evaluated 2023-11-10.

Conditions:
Tay-Sachs disease (TSD). Also called: HEXA Disorders; HEXA DEFICIENCY; GM2 gangliosidosis, type 1; Hexosaminidase alpha-subunit deficiency (variant B); Sphingolipidosis, Tay-Sachs; Hexosaminidase A Deficiency. Identifiers: Orphanet 845, MedGen C0039373, MONDO:0010100, OMIM 272800.

Submissions (2):

Myriad Genetics, Inc.
Classification: Pathogenic for Tay-Sachs disease. Last evaluated: 2023-11-10. Review status: criteria provided, single submitter. Criteria: Myriad Autosomal Dominant, Autosomal Recessive and X-Linked Classification Criteria (2023). Collection method: clinical testing. Allele origin: unknown.
Comment: NM_000520.4(HEXA):c.19delT(W7Gfs*93) is expected to be pathogenic in the context of hexosaminidase A deficiency. This variant is predicted to lead to an abnormal or absent protein product due to the creation of a premature termination codon in HEXA, a gene where loss-of-function variants are known to be pathogenic. Please note: this variant was assessed in the context of healthy population screening.

Labcorp Genetics (formerly Invitae), Labcorp
Classification: Pathogenic for Tay-Sachs disease. Last evaluated: 2022-12-03. Review status: criteria provided, single submitter. Criteria: Invitae Variant Classification Sherloc (09022015). Collection method: clinical testing. Allele origin: germline.
Comment: For these reasons, this variant has been classified as Pathogenic. This variant has not been reported in the literature in individuals affected with HEXA-related conditions. This variant is not present in population databases (gnomAD no frequency). This sequence change creates a premature translational stop signal (p.Trp7Glyfs*93) in the HEXA gene. It is expected to result in an absent or disrupted protein product. Loss-of-function variants in HEXA are known to be pathogenic (PMID: 1833974, 8490625).

Literature cited by the submitters: PubMed 1833974 (cited by Labcorp Genetics (formerly Invitae), Labcorp); PubMed 8490625 (cited by Labcorp Genetics (formerly Invitae), Labcorp).